The following is an entry in ClinVar:

ClinVar aggregate classification (germline): Conflicting classifications of pathogenicity. Review status: criteria provided, conflicting classifications (1 of 4 stars). 2 submissions from 2 submitters: Likely pathogenic (1); Uncertain significance (1). Last evaluated 2024-01-22.

Conditions:
USH2A-related disorder. Also called: USH2A-related disorders; USH2A-related condition. Identifiers: MedGen CN239332.

Allele frequency attached by ClinVar (database versions not stated): gnomAD exomes below 0.00001 and 0.00001.
gnomAD v4.1: 13 of 1,614,170 alleles (0.00081%); highest among the groups gnomAD compares: Non-Finnish European, 0.0011%; no homozygotes.

Submissions (2):

Blueprint Genetics
Classification: Likely pathogenic for USH2A-related disorders. Last evaluated: 2024-01-22. Review status: criteria provided, single submitter. Criteria: ACMG Guidelines, 2015. Collection method: clinical testing. Allele origin: germline. Affected: yes. Observed: 3 variant alleles.

Labcorp Genetics (formerly Invitae), Labcorp
Classification: Uncertain significance. Last evaluated: 2022-06-05. Review status: criteria provided, single submitter. Criteria: Invitae Variant Classification Sherloc (09022015). Collection method: clinical testing. Allele origin: germline.
Comment: This sequence change replaces cysteine, which is neutral and slightly polar, with arginine, which is basic and polar, at codon 4375 of the USH2A protein (p.Cys4375Arg). This variant is not present in population databases (gnomAD no frequency). This missense change has been observed in individual(s) with clinical features of retinitis pigmentosa (Invitae). In at least one individual the data is consistent with being in trans (on the opposite chromosome) from a pathogenic variant. ClinVar contains an entry for this variant (Variation ID: 1352789). Algorithms developed to predict the effect of missense changes on protein structure and function (SIFT, PolyPhen-2, Align-GVGD) all suggest that this variant is likely to be tolerated. Algorithms developed to predict the effect of sequence changes on RNA splicing suggest that this variant may create or strengthen a splice site. In summary, the available evidence is currently insufficient to determine the role of this variant in disease. Therefore, it has been classified as a Variant of Uncertain Significance.

NM_206933.4(USH2A):c.13123T>C (p.Cys4375Arg)

Gene: USH2A (usherin; minus strand). Cytogenetic location: 1q41.
Variant type: single nucleotide variant.
Coding change: c.13123T>C on transcript NM_206933.4 (MANE Select); coding-DNA position 13123, T replaced by C.
Protein change: p.Cys4375Arg; replaces cysteine 4375 with arginine.
Molecular consequence: missense variant.
Genome position (GRCh38, 1-based): chr1:215,674,788, A>G on the plus strand (T>C on the coding strand, the complement: USH2A is on the minus strand). VCF-style: chr1-215674788-A-G. GRCh37 (hg19) VCF-style: chr1-215848130-A-G.
Other names: short protein forms C4375R.
Identifiers: ClinVar variation 1352789 (VCV001352789.4), dbSNP rs1558048384, ClinGen allele CA344846500.